The following is an entry in ClinVar:

ClinVar aggregate classification (germline): Uncertain significance (1 of 4 stars; one submission).

Conditions:
Hereditary cancer-predisposing syndrome. Also called: Neoplastic Syndromes, Hereditary; Tumor predisposition; Hereditary neoplastic syndrome; Hereditary Cancer Syndrome. Identifiers: Orphanet 140162, MedGen C0027672, MeSH D009386, MONDO:0015356.

Submission:

Ambry Genetics
Classification: Uncertain significance for Hereditary cancer-predisposing syndrome. Last evaluated: 2019-01-09. Review status: criteria provided, single submitter. Criteria: Ambry Variant Classification Scheme 2023. Collection method: clinical testing. Allele origin: germline.
Comment: The c.3920_3922dupATC variant (also known as p.N1307_L1308insH), located in coding exon 9 of the MSH6 gene, results from an in-frame duplication of ATC at nucleotide positions 3920 to 3922. This results in the duplication of an extra amino acid residue between codons 1307 and 1308. Since supporting evidence is limited at this time, the clinical significance of this alteration remains unclear.

NM_000179.3(MSH6):c.3920_3922dup (p.Asn1307_Leu1308insHis)

Gene: MSH6 (mutS homolog 6; plus strand). Cytogenetic location: 2p16.3.
Variant type: Duplication.
Coding change: c.3920_3922dup on transcript NM_000179.3 (MANE Select); coding-DNA positions 3920 to 3922, 3 bases duplicated (ATC; older notation c.3920_3922dupATC).
Protein change: p.Asn1307_Leu1308insHis.
Molecular consequence: inframe insertion.
Genome position (GRCh38, 1-based): chr2:47,806,570-47,806,572, ATC duplicated. VCF-style (leftmost placement, unchanged base first): chr2-47806569-A-AATC. GRCh37 (hg19) VCF-style: chr2-48033708-A-AATC.
Other names: c.3530_3532dup, p.Asn1177_Leu1178insHis (NM_001281492.2); c.3014_3016dup, p.Asn1005_Leu1006insHis (NM_001281493.2, NM_001281494.2).
Identifiers: ClinVar variation 824382 (VCV000824382.4), dbSNP rs1572747272, ClinGen allele CA915943983.